The following is an entry in ClinVar:

ClinVar aggregate classification (germline): Uncertain significance (1 of 4 stars; one submission).

Conditions:
Generalized epilepsy with febrile seizures plus, type 7 (GEFSP7). Also called: GEFS+, TYPE 7. Identifiers: Orphanet 36387, MedGen C2751778, MONDO:0013470, OMIM 613863.
Neuropathy, hereditary sensory and autonomic, type 2A (HSAN2A). Also called: HSAN IIA; MORVAN DISEASE; NEUROPATHY, CONGENITAL SENSORY; NEUROPATHY, HEREDITARY SENSORY RADICULAR, AUTOSOMAL RECESSIVE; NEUROPATHY, HEREDITARY SENSORY, TYPE IIA; NEUROPATHY, PROGRESSIVE SENSORY, OF CHILDREN. Identifiers: Orphanet 970, MedGen C2752089, MONDO:0024309, OMIM 201300.

Submission:

Labcorp Genetics (formerly Invitae), Labcorp
Classification: Uncertain significance for Neuropathy, hereditary sensory and autonomic, type 2A; Generalized epilepsy with febrile seizures plus, type 7. Last evaluated: 2022-05-06. Review status: criteria provided, single submitter. Criteria: Invitae Variant Classification Sherloc (09022015). Collection method: clinical testing. Allele origin: germline.
Comment: This variant, c.1119_1120delinsCA, is a complex sequence change that results in the deletion of 1 and insertion of 1 amino acid(s) in the SCN9A protein (p.Ala374Thr). Information on the frequency of this variant in the gnomAD database is not available, as this variant may be reported differently in the database. This variant has not been reported in the literature in individuals affected with SCN9A-related conditions. Experimental studies and prediction algorithms are not available or were not evaluated, and the functional significance of this variant is currently unknown. In summary, the available evidence is currently insufficient to determine the role of this variant in disease. Therefore, it has been classified as a Variant of Uncertain Significance.

NM_001365536.1(SCN9A):c.1119_1120inv (p.Ala374Thr)

Genes: SCN9A (sodium voltage-gated channel alpha subunit 9; minus strand), SCN1A-AS1 (SCN1A and SCN9A antisense RNA 1; plus strand). Cytogenetic location: 2q24.3.
Variant type: Inversion.
Coding change: c.1119_1120inv on transcript NM_001365536.1 (MANE Select).
Protein change: p.Ala374Thr; replaces alanine 374 with threonine.
Molecular consequence: missense variant.
Genome position: GRCh38 VCF-style: chr2-166288631-CA-TG. GRCh37 (hg19) VCF-style: chr2-167145141-CA-TG.
Other names: c.1119_1120invTG, p.Ala374Thr (NM_002977.4); short protein forms A374T.
Identifiers: ClinVar variation 2142647 (VCV002142647.4), ClinGen allele CA2580064497.